The following is an entry in ClinVar:

ClinVar aggregate classification (germline): Pathogenic/Likely pathogenic. Review status: criteria provided, multiple submitters, no conflicts (2 of 4 stars). 5 submissions from 5 submitters: Pathogenic (4); Likely pathogenic (1). Last evaluated 2025-08-06.

Conditions:
Medium-chain acyl-coenzyme A dehydrogenase deficiency (ACADMD). Also called: MCAD Deficiency; ACADM DEFICIENCY; MCADD; Medium chain acyl-CoA dehydrogenase deficiency; CARNITINE DEFICIENCY SECONDARY TO MEDIUM-CHAIN ACYL-CoA DEHYDROGENASE DEFICIENCY; MCADH DEFICIENCY. Identifiers: Orphanet 42, MedGen C0220710, MONDO:0008721, OMIM 201450.

Submissions (5):

Natera, Inc.
Classification: Likely pathogenic for Medium Chain Acyl-CoA Dehydrogenase Deficiency. Last evaluated: 2025-08-06. Review status: criteria provided, single submitter. Criteria: Natera Variant Classification Schema (03/2026). Collection method: clinical testing. Allele origin: germline.
Comment: The c.322_325delATTA variant in ACADM is a frameshift variant predicted to shift the reading frame beginning at codon 108 and leads to a stop codon 41 codons downstream. This variant is expected to result in nonsense mediated decay, truncation, or a dysfunctional protein product. This variant is rare in the general population with a frequency below the threshold expected for the associated phenotype(s). Given the available evidence, this variant is classified as Likely Pathogenic.

Labcorp Genetics (formerly Invitae), Labcorp
Classification: Pathogenic for Medium-chain acyl-coenzyme A dehydrogenase deficiency. Last evaluated: 2024-10-17. Review status: criteria provided, single submitter. Criteria: Invitae Variant Classification Sherloc (09022015). Collection method: clinical testing. Allele origin: germline.
Comment: This sequence change creates a premature translational stop signal (p.Ile108Valfs*41) in the ACADM gene. It is expected to result in an absent or disrupted protein product. Loss-of-function variants in ACADM are known to be pathogenic (PMID: 16121256, 20434380). This variant is present in population databases (rs751306099, gnomAD 0.003%). This premature translational stop signal has been observed in individual(s) with a positive newborn screening result for ACADM-related disease (internal data). ClinVar contains an entry for this variant (Variation ID: 226102). Algorithms developed to predict the effect of sequence changes on RNA splicing suggest that this variant may disrupt the consensus splice site. For these reasons, this variant has been classified as Pathogenic.

Baylor Genetics
Classification: Pathogenic for Medium-chain acyl-coenzyme A dehydrogenase deficiency. Last evaluated: 2023-06-19. Review status: criteria provided, single submitter. Criteria: ACMG Guidelines, 2015. Collection method: clinical testing. Allele origin: unknown.

Eurofins Ntd Llc (ga)
Classification: Pathogenic. Last evaluated: 2017-03-02. Review status: criteria provided, single submitter. Criteria: EGL Classification Definitions 2015. Collection method: clinical testing. Allele origin: germline. Observed: 1 variant allele, 1 heterozygote.

ARUP Laboratories, Molecular Genetics and Genomics, ARUP Laboratories
Classification: Pathogenic for Medium-chain acyl-coenzyme A dehydrogenase deficiency. Last evaluated: 2015-02-20. Review status: criteria provided, single submitter. Criteria: ACMG Guidelines, 2015. Collection method: clinical testing. Allele origin: germline. Inheritance: Autosomal recessive inheritance. Observed: 1 heterozygote.

Literature cited by the submitters: PubMed 16121256 (cited by Labcorp Genetics (formerly Invitae), Labcorp); PubMed 20434380 (cited by Labcorp Genetics (formerly Invitae), Labcorp).

NM_000016.6(ACADM):c.322_325del (p.Ile108fs)

Gene: ACADM (acyl-CoA dehydrogenase medium chain; plus strand). Cytogenetic location: 1p31.1.
Variant type: Deletion.
Coding change: c.322_325del on transcript NM_000016.6 (MANE Select); coding-DNA positions 322 to 325, 4 bases deleted (ATTA; older notation c.322_325delATTA).
Protein change: p.Ile108fs; shifts the reading frame from isoleucine 108.
Molecular consequence: frameshift variant. On other transcripts: intron variant (1).
Genome position (GRCh38, 1-based): chr1:75,733,563-75,733,566, ATTA deleted; deleting any 4 consecutive bases within chr1:75,733,560-75,733,566 gives the same sequence; the c. name uses the placement nearest the transcript's 3' end. VCF-style (leftmost placement, unchanged base first): chr1-75733559-TTTAA-T. GRCh37 (hg19) VCF-style: chr1-76199244-TTTAA-T.
Other names: c.334_337del, p.Ile112fs (NM_001127328.3); c.214_217del, p.Ile72fs (NM_001286042.2); c.421_424del, p.Ile141fs (NM_001286043.2); c.-100+641_-100+644del (NM_001286044.2); c.322_325delATTA (NM_000016.5); short protein forms I108fs, I141fs, I72fs, I112fs.
Identifiers: ClinVar variation 226102 (VCV000226102.21), dbSNP rs875989873, ClinGen allele CA913064.